The following is an entry in ClinVar:

NM_001122630.2(CDKN1C):c.379A>C (p.Ser127Arg)

Gene: CDKN1C (cyclin dependent kinase inhibitor 1C; minus strand). Cytogenetic location: 11p15.4.
Variant type: single nucleotide variant.
Coding change: c.379A>C on transcript NM_001122630.2 (MANE Select); coding-DNA position 379, A replaced by C.
Protein change: p.Ser127Arg; replaces serine 127 with arginine.
Molecular consequence: missense variant. On other transcripts: intron variant (1).
Genome position (GRCh38, 1-based): chr11:2,885,078, T>G on the plus strand (A>C on the coding strand, the complement: CDKN1C is on the minus strand). VCF-style: chr11-2885078-T-G. GRCh37 (hg19) VCF-style: chr11-2906308-T-G.
Other names: c.412A>C, p.Ser138Arg (NM_000076.2, NM_001362474.2); c.379A>C, p.Ser127Arg (NM_001122631.2); c.255+124A>C (NM_001362475.2); short protein forms S127R, S138R.
Identifiers: ClinVar variation 1994213 (VCV001994213.4), dbSNP rs2494388321, ClinGen allele CA379146749.

ClinVar aggregate classification (germline): Uncertain significance (1 of 4 stars; one submission).

Conditions:
Beckwith-Wiedemann syndrome (BWS). Also called: EMG SYNDROME; Exomphalos macroglossia gigantism syndrome. Identifiers: Orphanet 116, MedGen C0004903, MONDO:0007534, OMIM 130650.

Submission:

Labcorp Genetics (formerly Invitae), Labcorp
Classification: Uncertain significance for Beckwith-Wiedemann syndrome. Last evaluated: 2022-05-14. Review status: criteria provided, single submitter. Criteria: Invitae Variant Classification Sherloc (09022015). Collection method: clinical testing. Allele origin: germline.
Comment: In summary, the available evidence is currently insufficient to determine the role of this variant in disease. Therefore, it has been classified as a Variant of Uncertain Significance. Algorithms developed to predict the effect of missense changes on protein structure and function are either unavailable or do not agree on the potential impact of this missense change (SIFT: "Tolerated"; PolyPhen-2: "Not Available"; Align-GVGD: "Class C0"). This variant has not been reported in the literature in individuals affected with CDKN1C-related conditions. This variant is not present in population databases (gnomAD no frequency). This sequence change replaces serine, which is neutral and polar, with arginine, which is basic and polar, at codon 138 of the CDKN1C protein (p.Ser138Arg).